The following is an entry in ClinVar:

NM_000817.3(GAD1):c.807G>A (p.Pro269=)

Gene: GAD1 (glutamate decarboxylase 1; plus strand). Cytogenetic location: 2q31.1.
Variant type: single nucleotide variant.
Coding change: c.807G>A on transcript NM_000817.3 (MANE Select); coding-DNA position 807, G replaced by A.
Protein change: p.Pro269=; no amino-acid change (proline 269 retained).
Molecular consequence: synonymous variant.
Genome position (GRCh38, 1-based): chr2:170,845,561, G>A. VCF-style: chr2-170845561-G-A. GRCh37 (hg19) VCF-style: chr2-171702071-G-A.
Identifiers: ClinVar variation 332232 (VCV000332232.43), dbSNP rs34100397, ClinGen allele CA1962736.

ClinVar aggregate classification (germline): Conflicting classifications of pathogenicity. Review status: criteria provided, conflicting classifications (1 of 4 stars). 4 submissions from 4 submitters: Uncertain significance (1); Likely benign (3). Last evaluated 2025-12-17.

Conditions:
Neurodevelopmental disorder with progressive spasticity and brain white matter abnormalities. Also called: CEREBRAL PALSY, SPASTIC QUADRIPLEGIC, 1. Identifiers: Orphanet 210141, Orphanet 641353, MedGen C5436628, MONDO:0033613, OMIM 619026.

Allele frequency attached by ClinVar (database versions not stated): ESP Exome Variant Server 0.00046; gnomAD exomes 0.00057; ExAC 0.00064; gnomAD 0.00094 and 0.00097; 1000 Genomes Project 30x 0.00125; 1000 Genomes Project 0.00140; TOPMed 0.00142.
gnomAD v4.1: 785 of 1,614,058 alleles (0.049%); highest among the groups gnomAD compares: Middle Eastern, 0.48%; 4 homozygotes.

Submissions (4):

Labcorp Genetics (formerly Invitae), Labcorp
Classification: Likely benign for Neurodevelopmental disorder with progressive spasticity and brain white matter abnormalities. Last evaluated: 2025-12-17. Review status: criteria provided, single submitter. Criteria: Invitae Variant Classification Sherloc (09022015). Collection method: clinical testing. Allele origin: germline.

CeGaT Center for Human Genetics Tuebingen
Classification: Likely benign. Last evaluated: 2025-10-01. Review status: criteria provided, single submitter. Criteria: CeGaT Center For Human Genetics Tuebingen Variant Classification Criteria Version 2. Collection method: clinical testing. Allele origin: germline. Affected: yes. Observed: 11 variant alleles.
Comment: GAD1: BP4, BP7

Blueprint Genetics
Classification: Likely benign. Last evaluated: 2024-10-21. Review status: criteria provided, single submitter. Criteria: ACMG Guidelines, 2015. Collection method: clinical testing. Allele origin: germline.

Illumina Laboratory Services, Illumina
Classification: Uncertain significance. Last evaluated: 2018-01-12. Review status: criteria provided, single submitter. Criteria: ICSL Variant Classification Criteria 13 December 2019. Collection method: clinical testing. Allele origin: germline.